The following is an entry in ClinVar:

NM_030665.4(RAI1):c.3408G>A (p.Thr1136=)

Gene: RAI1 (retinoic acid induced 1; plus strand). Cytogenetic location: 17p11.2.
Variant type: single nucleotide variant.
Coding change: c.3408G>A on transcript NM_030665.4 (MANE Select); coding-DNA position 3408, G replaced by A.
Protein change: p.Thr1136=; no amino-acid change (threonine 1136 retained).
Molecular consequence: synonymous variant.
Genome position (GRCh38, 1-based): chr17:17,796,356, G>A. VCF-style: chr17-17796356-G-A. GRCh37 (hg19) VCF-style: chr17-17699670-G-A.
Other names: c.3408G>A (NM_030665.3).
Identifiers: ClinVar variation 1609123 (VCV001609123.11), dbSNP rs779995817, ClinGen allele CA8418716.
Genomic context (GRCh38, chr17:17,796,356, plus strand): 5'-TGTGGCCTCCGACAGCAGCCCGATGGGCTCCAAGACCAAGGAGACAGACTCACCCAGCAC[G>A]CCTGGCAAGGACCAGCGCTCCATGATCCTTCGGTCACGCACCAAAACCCAGGAGATCTTC-3'
Protein context (NP_109590.3, residues 1126-1146): SKTKETDSPS[Thr1136=]PGKDQRSMIL

ClinVar aggregate classification (germline): Likely benign. Review status: criteria provided, multiple submitters, no conflicts (2 of 4 stars). 3 submissions from 3 submitters: Likely benign (2). 1 of the submissions does not count toward it. Last evaluated 2026-07-01.

Conditions:
RAI1-related disorder. Also called: RAI1-related condition.

Allele frequency attached by ClinVar (database versions not stated): gnomAD 0.00001; ExAC 0.00002; TOPMed 0.00003.
gnomAD v4.1: 21 of 1,613,402 alleles (0.0013%); highest among the groups gnomAD compares: African/African-American, 0.008%; no homozygotes.

Submissions (3):

CeGaT Center for Human Genetics Tuebingen
Classification: Likely benign. Last evaluated: 2026-07-01. Review status: criteria provided, single submitter. Criteria: CeGaT Center For Human Genetics Tuebingen Variant Classification Criteria Version 2. Collection method: clinical testing. Allele origin: germline. Affected: yes. Observed: 1 variant allele.
Comment: RAI1: BP4, BP7

Labcorp Genetics (formerly Invitae), Labcorp
Classification: Likely benign. Last evaluated: 2025-10-28. Review status: criteria provided, single submitter. Criteria: Invitae Variant Classification Sherloc (09022015). Collection method: clinical testing. Allele origin: germline.

PreventionGenetics, part of Exact Sciences
Classification: Likely benign for RAI1-related condition. Last evaluated: 2021-12-09. Review status: no assertion criteria provided. Collection method: clinical testing. Allele origin: germline. Not counted in ClinVar's aggregate classification.
Comment: This variant is classified as likely benign based on ACMG/AMP sequence variant interpretation guidelines (Richards et al. 2015 PMID: 25741868, with internal and published modifications).